The following is an entry in ClinVar:

NM_001035.3(RYR2):c.9116C>T (p.Thr3039Ile)

Gene: RYR2 (ryanodine receptor 2; plus strand). Cytogenetic location: 1q43.
Variant type: single nucleotide variant.
Coding change: c.9116C>T on transcript NM_001035.3 (MANE Select); coding-DNA position 9116, C replaced by T.
Protein change: p.Thr3039Ile; replaces threonine 3039 with isoleucine.
Molecular consequence: missense variant.
Genome position (GRCh38, 1-based): chr1:237,699,013, C>T. VCF-style: chr1-237699013-C-T. GRCh37 (hg19) VCF-style: chr1-237862313-C-T.
Other names: c.9116C>T (NM_001035.2); short protein forms T3039I.
Identifiers: ClinVar variation 925646 (VCV000925646.7), dbSNP rs1175249332, ClinGen allele CA345406599.

ClinVar aggregate classification (germline): Uncertain significance. Review status: criteria provided, multiple submitters, no conflicts (2 of 4 stars). 3 submissions from 3 submitters: Uncertain significance (3). Last evaluated 2025-11-01.

Conditions:
Cardiovascular phenotype. Identifiers: MedGen CN230736.
Cardiomyopathy (CMYO). Also called: Cardiomyopathies. Identifiers: Orphanet 167848, MedGen C0878544, MONDO:0004994, HP:0001638. Inheritance: Various modes of inheritance.
Catecholaminergic polymorphic ventricular tachycardia 1. Also called: VENTRICULAR TACHYCARDIA, CATECHOLAMINERGIC POLYMORPHIC, 1, WITH OR WITHOUT ATRIAL DYSFUNCTION AND/OR DILATED CARDIOMYOPATHY; RYR2-Related Catecholaminergic Polymorphic Ventricular Tachycardia; VENTRICULAR TACHYCARDIA, STRESS-INDUCED POLYMORPHIC 1. Identifiers: Orphanet 3286, MedGen C1631597, MONDO:0011484, OMIM 604772.

Allele frequency attached by ClinVar (database versions not stated): gnomAD exomes below 0.00001; TOPMed below 0.00001; gnomAD 0.00001.
gnomAD v4.1: 2 of 1,527,862 alleles (0.00013%); highest among the groups gnomAD compares: Non-Finnish European, 0.00018%; no homozygotes.

Submissions (3):

Labcorp Genetics (formerly Invitae), Labcorp
Classification: Uncertain significance for Catecholaminergic polymorphic ventricular tachycardia 1. Last evaluated: 2025-11-01. Review status: criteria provided, single submitter. Criteria: Invitae Variant Classification Sherloc (09022015). Collection method: clinical testing. Allele origin: germline.
Comment: This sequence change replaces threonine, which is neutral and polar, with isoleucine, which is neutral and non-polar, at codon 3039 of the RYR2 protein (p.Thr3039Ile). This variant is not present in population databases (gnomAD no frequency). This variant has not been reported in the literature in individuals affected with RYR2-related conditions. ClinVar contains an entry for this variant (Variation ID: 925646). Invitae Evidence Modeling of protein sequence and biophysical properties (such as structural, functional, and spatial information, amino acid conservation, physicochemical variation, residue mobility, and thermodynamic stability) indicates that this missense variant is not expected to disrupt RYR2 protein function with a negative predictive value of 95%. In summary, the available evidence is currently insufficient to determine the role of this variant in disease. Therefore, it has been classified as a Variant of Uncertain Significance.

Ambry Genetics
Classification: Uncertain significance for Cardiovascular phenotype. Last evaluated: 2025-07-09. Review status: criteria provided, single submitter. Criteria: Ambry Variant Classification Scheme 2023. Collection method: clinical testing. Allele origin: germline.
Comment: The p.T3039I variant (also known as c.9116C>T), located in coding exon 64 of the RYR2 gene, results from a C to T substitution at nucleotide position 9116. The threonine at codon 3039 is replaced by isoleucine, an amino acid with similar properties. This amino acid position is well conserved in available vertebrate species. In addition, this alteration is predicted to be tolerated by in silico analysis. Based on the available evidence, the clinical significance of this variant remains unclear.

Color Diagnostics, LLC DBA Color Health
Classification: Uncertain significance for Cardiomyopathy. Last evaluated: 2024-03-07. Review status: criteria provided, single submitter. Criteria: ACMG Guidelines, 2015. Collection method: clinical testing. Allele origin: germline.
Comment: This missense variant replaces threonine with isoleucine at codon 3039 of the RYR2 protein. Computational prediction suggests that this variant may not impact protein structure and function (internally defined REVEL score threshold <= 0.5, PMID: 27666373). To our knowledge, functional studies have not been reported for this variant. This variant has not been reported in individuals affected with cardiovascular disorders in the literature. This variant has not been identified in the general population by the Genome Aggregation Database (gnomAD). The available evidence is insufficient to determine the role of this variant in disease conclusively. Therefore, this variant is classified as a Variant of Uncertain Significance.